The following is an entry in ClinVar:

NM_007348.4(ATF6):c.1592C>G (p.Thr531Ser)

Gene: ATF6 (activating transcription factor 6; plus strand). Cytogenetic location: 1q23.3.
Variant type: single nucleotide variant.
Coding change: c.1592C>G on transcript NM_007348.4 (MANE Select); coding-DNA position 1592, C replaced by G.
Protein change: p.Thr531Ser; replaces threonine 531 with serine.
Molecular consequence: missense variant.
Genome position (GRCh38, 1-based): chr1:161,860,265, C>G. VCF-style: chr1-161860265-C-G. GRCh37 (hg19) VCF-style: chr1-161830055-C-G.
Other names: short protein forms T531S.
Identifiers: ClinVar variation 940778 (VCV000940778.6), dbSNP rs1686854939, ClinGen allele CA343382783.

ClinVar aggregate classification (germline): Uncertain significance (1 of 4 stars; one submission).

Submission:

Labcorp Genetics (formerly Invitae), Labcorp
Classification: Uncertain significance. Last evaluated: 2022-07-11. Review status: criteria provided, single submitter. Criteria: Invitae Variant Classification Sherloc (09022015). Collection method: clinical testing. Allele origin: germline.
Comment: This sequence change replaces threonine, which is neutral and polar, with serine, which is neutral and polar, at codon 531 of the ATF6 protein (p.Thr531Ser). This variant is not present in population databases (gnomAD no frequency). This variant has not been reported in the literature in individuals affected with ATF6-related conditions. ClinVar contains an entry for this variant (Variation ID: 940778). Algorithms developed to predict the effect of missense changes on protein structure and function (SIFT, PolyPhen-2, Align-GVGD) all suggest that this variant is likely to be tolerated. In summary, the available evidence is currently insufficient to determine the role of this variant in disease. Therefore, it has been classified as a Variant of Uncertain Significance.